The following is an entry in ClinVar:

ClinVar aggregate classification (germline): Likely benign. Review status: criteria provided, single submitter (1 of 4 stars). 2 submissions from 2 submitters: Likely benign (1). 1 of the submissions does not count toward it. Last evaluated 2025-04-17.

Conditions:
EPRS1-related disorder. Also called: EPRS1-related condition.

Allele frequency attached by ClinVar (database versions not stated): gnomAD exomes 0.00006; ExAC 0.00027; 1000 Genomes Project 30x 0.00031; 1000 Genomes Project 0.00040; gnomAD 0.00080; TOPMed 0.00090; ESP Exome Variant Server 0.00108.
gnomAD v4.1: 216 of 1,593,688 alleles (0.014%); highest among the groups gnomAD compares: African/African-American, 0.26%; no homozygotes.

Submissions (3):

Labcorp Genetics (formerly Invitae), Labcorp
Classification: Likely benign. Last evaluated: 2025-04-17. Review status: criteria provided, single submitter. Criteria: Invitae Variant Classification Sherloc (09022015). Collection method: clinical testing. Allele origin: germline.

PreventionGenetics, part of Exact Sciences
Classification: Likely benign for EPRS1-related condition. Last evaluated: 2022-03-15. Review status: no assertion criteria provided. Collection method: clinical testing. Allele origin: germline. Not counted in ClinVar's aggregate classification.
Comment: This variant is classified as likely benign based on ACMG/AMP sequence variant interpretation guidelines (Richards et al. 2015 PMID: 25741868, with internal and published modifications).

Dr. Peter K. Rogan Lab, Western University
No classification provided (evidence only). Condition: Familial cancer of breast. Review status: no classification provided. Collection method: in vitro. Allele origin: not applicable. Functional consequence: skipped exon, retained intron. Not counted in ClinVar's aggregate classification.

NM_004446.3(EPRS1):c.2775+5G>A

Gene: EPRS1 (glutamyl-prolyl-tRNA synthetase 1; minus strand). Cytogenetic location: 1q41.
Variant type: single nucleotide variant.
Coding change: c.2775+5G>A on transcript NM_004446.3 (MANE Select); 5 bases into the intron after coding-DNA position 2775, G replaced by A.
Molecular consequence: intron variant.
Genome position (GRCh38, 1-based): chr1:219,988,585, C>T on the plus strand (G>A on the coding strand, the complement: EPRS1 is on the minus strand). VCF-style: chr1-219988585-C-T. GRCh37 (hg19) VCF-style: chr1-220161927-C-T.
Other names: c.2775+5G>A (NM_004446.2).
Identifiers: ClinVar variation 2052152 (VCV002052152.7), dbSNP rs201479324, ClinGen allele CA1399890.
Genomic context (GRCh38, chr1:219,988,585, plus strand): 5'-TTGAGGCAAAGACAATACCCTGAAACATAAAAAACAAAAGCATATAAACAAAATAACACA[C>T]TAACCTTAGGGGCTTTTTCAGTTTTAAGTTTCCGAACTACTTCCCCTTGAGAAGCTACTT-3'